The following is an entry in ClinVar:

NM_001354483.2(CSGALNACT1):c.1418T>A (p.Phe473Tyr)

Gene: CSGALNACT1 (chondroitin sulfate N-acetylgalactosaminyltransferase 1; minus strand). Cytogenetic location: 8p21.3.
Variant type: single nucleotide variant.
Coding change: c.1418T>A on transcript NM_001354483.2 (MANE Select); coding-DNA position 1418, T replaced by A.
Protein change: p.Phe473Tyr; replaces phenylalanine 473 with tyrosine.
Molecular consequence: missense variant. On other transcripts: non-coding transcript variant (7).
Genome position (GRCh38, 1-based): chr8:19,405,961, A>T on the plus strand (T>A on the coding strand, the complement: CSGALNACT1 is on the minus strand). VCF-style: chr8-19405961-A-T. GRCh37 (hg19) VCF-style: chr8-19263472-A-T.
Other names: c.1418T>A, p.Phe473Tyr (NM_001130518.2, NM_001354475.2, NM_001354476.2 and 18 more transcripts); short protein forms F473Y.
Identifiers: ClinVar variation 1579962 (VCV001579962.12), dbSNP rs17128366, ClinGen allele CA4653764.

ClinVar aggregate classification (germline): Benign/Likely benign. Review status: criteria provided, multiple submitters, no conflicts (2 of 4 stars). 4 submissions from 4 submitters: Benign (2); Likely benign (1). 1 of the submissions does not count toward it. Last evaluated 2026-01-26.

Conditions:
Skeletal dysplasia, mild, with joint laxity and advanced bone age. Identifiers: MedGen C5394341, MONDO:0030029, OMIM 618870.
CSGALNACT1-related disorder. Also called: CSGALNACT1-related condition.

Allele frequency attached by ClinVar (database versions not stated): gnomAD exomes 0.00134 and 0.00373; ExAC 0.00454; 1000 Genomes Project 0.01398; 1000 Genomes Project 30x 0.01421; gnomAD 0.01455 and 0.01576; ESP Exome Variant Server 0.01538; TOPMed 0.01639.
gnomAD v4.1: 4,307 of 1,614,118 alleles (0.27%); highest among the groups gnomAD compares: African/African-American, 5%; 99 homozygotes.

Submissions (4):

Labcorp Genetics (formerly Invitae), Labcorp
Classification: Benign. Last evaluated: 2026-01-26. Review status: criteria provided, single submitter. Criteria: Invitae Variant Classification Sherloc (09022015). Collection method: clinical testing. Allele origin: germline.

Fulgent Genetics
Classification: Likely benign for Skeletal dysplasia, mild, with joint laxity and advanced bone age. Last evaluated: 2022-02-15. Review status: criteria provided, single submitter. Criteria: ACMG Guidelines, 2015. Collection method: clinical testing. Allele origin: unknown.

Breakthrough Genomics
Classification: Benign. Review status: criteria provided, single submitter. Criteria: ACMG Guidelines, 2015. Collection method: not provided. Allele origin: germline. Inheritance: Autosomal recessive inheritance. Affected: yes.

PreventionGenetics, part of Exact Sciences
Classification: Benign for CSGALNACT1-related condition. Last evaluated: 2019-08-28. Review status: no assertion criteria provided. Collection method: clinical testing. Allele origin: germline. Not counted in ClinVar's aggregate classification.
Comment: This variant is classified as benign based on ACMG/AMP sequence variant interpretation guidelines (Richards et al. 2015 PMID: 25741868, with internal and published modifications).